The following is an entry in ClinVar:

NM_000722.4(CACNA2D1):c.1076T>C (p.Met359Thr)

Gene: CACNA2D1 (calcium voltage-gated channel auxiliary subunit alpha2delta 1; minus strand). Cytogenetic location: 7q21.11.
Variant type: single nucleotide variant.
Coding change: c.1076T>C on transcript NM_000722.4 (MANE Select); coding-DNA position 1076, T replaced by C.
Protein change: p.Met359Thr; replaces methionine 359 with threonine.
Molecular consequence: missense variant.
Genome position (GRCh38, 1-based): chr7:82,032,864, A>G on the plus strand (T>C on the coding strand, the complement: CACNA2D1 is on the minus strand). VCF-style: chr7-82032864-A-G. GRCh37 (hg19) VCF-style: chr7-81662180-A-G.
Other names: c.1076T>C (LRG_437t1); c.1076T>C, p.Met359Thr (NM_001366867.1); short protein forms M359T.
Identifiers: ClinVar variation 518559 (VCV000518559.5), dbSNP rs1348576976, ClinGen allele CA367879455.

ClinVar aggregate classification (germline): Uncertain significance (1 of 4 stars; one submission).

Conditions:
Cardiovascular phenotype. Identifiers: MedGen CN230736.

Allele frequency attached by ClinVar (database versions not stated): gnomAD exomes below 0.00001; gnomAD 0.00003.
gnomAD v4.1: 3 of 1,602,662 alleles (0.00019%); highest among the groups gnomAD compares: Non-Finnish European, 0.00017%; no homozygotes.

Submission:

Ambry Genetics
Classification: Uncertain significance for Cardiovascular phenotype. Last evaluated: 2016-09-01. Review status: criteria provided, single submitter. Criteria: Ambry Variant Classification Scheme 2023. Collection method: clinical testing. Allele origin: germline.
Comment: The p.M359T variant (also known as c.1076T>C), located in coding exon 12 of the CACNA2D1 gene, results from a T to C substitution at nucleotide position 1076. The methionine at codon 359 is replaced by threonine, an amino acid with similar properties. This variant was not reported in population-based cohorts in the following databases: Database of Single Nucleotide Polymorphisms (dbSNP), Exome Aggregation Consortium (ExAC), NHLBI Exome Sequencing Project (ESP), and 1000 Genomes Project. In the ESP, this variant was not observed in 6500 samples (13000 alleles) with coverage at this position. This amino acid position is highly conserved in available vertebrate species. In addition, this alteration is predicted to be deleterious by in silico analysis. Since supporting evidence is limited at this time, the clinical significance of this alteration remains unclear.